The following is an entry in ClinVar:

ClinVar aggregate classification (germline): Likely benign. Review status: reviewed by expert panel (3 of 4 stars). 3 submissions from 3 submitters: Likely benign (1). 2 of the submissions do not count toward it. Last evaluated 2024-11-04.

Conditions:
Hereditary thrombocytopenia and hematological cancer predisposition syndrome associated with RUNX1. Also called: Familial Platelet Disorder with Propensity to Acute Myelogenous Leukemia; Familial thrombocytopenia with propensity to acute myelogenous leukemia; PLATELET DISORDER, ASPIRIN-LIKE; RUNX1 Familial Platelet Disorder with Associated Myeloid Malignancies. Identifiers: Orphanet 71290, MedGen C1832388, MeSH C563324, MONDO:0100083, OMIM 601399.
Hereditary thrombocytopenia and hematologic cancer predisposition syndrome. Identifiers: Orphanet 71290, MedGen CN281654, MONDO:0011071.

Submissions (3):

ClinGen Myeloid Malignancy Variant Curation Expert Panel
Classification: Likely benign for Hereditary thrombocytopenia and hematologic cancer predisposition syndrome. Last evaluated: 2024-11-04. Review status: reviewed by expert panel. Criteria: ClinGen MyeloMalig ACMG Specifications v2. Collection method: curation. Allele origin: germline. Inheritance: Autosomal dominant inheritance.
Comment: NM_001754.5(RUNX1):c.614-15_614-9dup is an intronic variant in RUNX1 which has not been featured in functional or case studies. Computational and population data have been used to evaluate this variant. The MAF of 0.0003205 (0.03205%, 24/74,884 alleles) in the African/African American subpopulation of gnomAD v4 allows for the application of BS1. This variant has a SpliceAI score of 0.02, allowing for the application of BP4. In summary, this variant meets criteria to be classified as likely benign. ACMG/AMP criteria applied, as specified by the Myeloid Malignancy Variant Curation Expert Panel for RUNX1: BS1, BP4.

Labcorp Genetics (formerly Invitae), Labcorp
Classification: Likely benign for Hereditary thrombocytopenia and hematological cancer predisposition syndrome associated with RUNX1. Last evaluated: 2025-12-30. Review status: criteria provided, single submitter. Criteria: Invitae Variant Classification Sherloc (09022015). Collection method: clinical testing. Allele origin: germline. Not counted in ClinVar's aggregate classification.

Blueprint Genetics
Classification: Likely benign. Last evaluated: 2023-12-27. Review status: criteria provided, single submitter. Criteria: ACMG Guidelines, 2015. Collection method: clinical testing. Allele origin: germline. Not counted in ClinVar's aggregate classification.

NM_001754.5(RUNX1):c.614-15_614-9dup

Gene: RUNX1 (RUNX family transcription factor 1; minus strand). Cytogenetic location: 21q22.12.
Variant type: Duplication.
Coding change: c.614-15_614-9dup on transcript NM_001754.5 (MANE Select); 15 bases into the intron before coding-DNA position 614 through 9 bases into the intron before coding-DNA position 614, 7 bases duplicated (TGCTCCC; older notation c.614-15_614-9dupTGCTCCC).
Molecular consequence: intron variant.
Genome position (GRCh38, 1-based): chr21:34,834,610-34,834,616, GGGAGCA duplicated on the plus strand (TGCTCCC on the coding strand, the reverse complement: RUNX1 is on the minus strand); duplicating any 7 consecutive bases within chr21:34,834,610-34,834,621 gives the same sequence; the c. name uses the placement nearest the transcript's 3' end. VCF-style (leftmost placement, unchanged base first): chr21-34834609-G-GGGGAGCA. GRCh37 (hg19) VCF-style: chr21-36206906-G-GGGGAGCA.
Other names: c.533-15_533-9dup (NM_001001890.3, NM_001122607.2).
Identifiers: ClinVar variation 1130422 (VCV001130422.12), dbSNP rs540348804, ClinGen allele CA10014395.
Genomic context (GRCh38, chr21:34,834,609, plus strand): 5'-GGAAAAGGACAAGCTCCCGGGCTTGGTCTGATCATCTAGTTTCTGCCGATGTCCTATTGT[G>GGGGAGCA]GGGAGCAGGGAGGGGAGGGGATGGGGGGAGGGAAGGAGGGAGGGAAGAGATCAGAAAAAG-3'